The following is an entry in ClinVar:

NM_002658.6(PLAU):c.351G>A (p.Gly117=)

Genes: C10orf55 (chromosome 10 putative open reading frame 55; minus strand), PLAU (plasminogen activator, urokinase; plus strand), LOC126860960 (BRD4-independent group 4 enhancer GRCh37_chr10:75672789-75673988; plus strand). Cytogenetic location: 10q22.2.
Variant type: single nucleotide variant.
Coding change: c.351G>A on transcript NM_002658.6 (MANE Select); coding-DNA position 351, G replaced by A.
Protein change: p.Gly117=; no amino-acid change (glycine 117 retained).
Molecular consequence: synonymous variant.
Genome position (GRCh38, 1-based): chr10:73,913,081, G>A. VCF-style: chr10-73913081-G-A. GRCh37 (hg19) VCF-style: chr10-75672839-G-A.
Other names: p.Gly117=; c.351G>A (NM_002658.5); c.300G>A, p.Gly100= (NM_001145031.3); c.93G>A, p.Gly31= (NM_001319191.2).
Identifiers: ClinVar variation 3339579 (VCV003339579.2).

ClinVar aggregate classification (germline): Likely benign. Review status: criteria provided, multiple submitters, no conflicts (2 of 4 stars). 2 submissions from 2 submitters: Likely benign (2). Last evaluated 2024-08-01.

gnomAD v4.1: 594 of 1,613,768 alleles (0.037%); highest among the groups gnomAD compares: Admixed American, 0.13%; no homozygotes.

Submissions (2):

Mayo Clinic Laboratories, Mayo Clinic
Classification: Likely benign. Last evaluated: 2024-08-01. Review status: criteria provided, single submitter. Criteria: ACMG Guidelines, 2015. Collection method: clinical testing. Allele origin: germline. Observed: 5 variant alleles.
Comment: BS1_supporting, BP4, BP7

Women's Health and Genetics/Laboratory Corporation of America, LabCorp
Classification: Likely benign. Last evaluated: 2024-06-12. Review status: criteria provided, single submitter. Criteria: LabCorp Variant Classification Summary - May 2015. Collection method: clinical testing. Allele origin: germline.